The following is an entry in ClinVar:

NM_000368.5(TSC1):c.448C>T (p.His150Tyr)

Gene: TSC1 (TSC complex subunit 1; minus strand). Cytogenetic location: 9q34.13.
Variant type: single nucleotide variant.
Coding change: c.448C>T on transcript NM_000368.5 (MANE Select); coding-DNA position 448, C replaced by T.
Protein change: p.His150Tyr; replaces histidine 150 with tyrosine.
Molecular consequence: missense variant.
Genome position (GRCh38, 1-based): chr9:132,923,408, G>A on the plus strand (C>T on the coding strand, the complement: TSC1 is on the minus strand). VCF-style: chr9-132923408-G-A. GRCh37 (hg19) VCF-style: chr9-135798795-G-A.
Other names: c.448C>T, p.His150Tyr (NM_001162426.2); c.295C>T, p.His99Tyr (NM_001162427.2); c.85C>T, p.His29Tyr (NM_001362177.2); short protein forms H150Y, H29Y, H99Y.
Identifiers: ClinVar variation 411243 (VCV000411243.7), dbSNP rs1060503206, ClinGen allele CA16612593.

ClinVar aggregate classification (germline): Uncertain significance. Review status: criteria provided, multiple submitters, no conflicts (2 of 4 stars). 2 submissions from 2 submitters: Uncertain significance (2). Last evaluated 2025-06-30.

Conditions:
Hereditary cancer-predisposing syndrome. Also called: Hereditary neoplastic syndrome; Neoplastic Syndromes, Hereditary; Tumor predisposition; Hereditary Cancer Syndrome. Identifiers: Orphanet 140162, MedGen C0027672, MeSH D009386, MONDO:0015356.
Tuberous sclerosis 1 (TSC1). Identifiers: Orphanet 805, MedGen C1854465, MONDO:0008612, OMIM 191100.

Allele frequency attached by ClinVar (database versions not stated): gnomAD exomes below 0.00001.

Submissions (2):

Ambry Genetics
Classification: Uncertain significance for Hereditary cancer-predisposing syndrome. Last evaluated: 2025-06-30. Review status: criteria provided, single submitter. Criteria: Ambry Variant Classification Scheme 2023. Collection method: clinical testing. Allele origin: germline.
Comment: The p.H150Y variant (also known as c.448C>T), located in coding exon 4 of the TSC1 gene, results from a C to T substitution at nucleotide position 448. The histidine at codon 150 is replaced by tyrosine, an amino acid with similar properties. This amino acid position is conserved. In addition, the in silico prediction for this alteration is inconclusive. Based on the available evidence, the clinical significance of this variant remains unclear.

Labcorp Genetics (formerly Invitae), Labcorp
Classification: Uncertain significance for Tuberous sclerosis 1. Last evaluated: 2021-08-28. Review status: criteria provided, single submitter. Criteria: Invitae Variant Classification Sherloc (09022015). Collection method: clinical testing. Allele origin: germline.
Comment: This sequence change replaces histidine with tyrosine at codon 150 of the TSC1 protein (p.His150Tyr). The histidine residue is moderately conserved and there is a moderate physicochemical difference between histidine and tyrosine. This variant is not present in population databases (ExAC no frequency). This variant has not been reported in the literature in individuals affected with TSC1-related conditions. ClinVar contains an entry for this variant (Variation ID: 411243). Algorithms developed to predict the effect of missense changes on protein structure and function output the following: SIFT: "Tolerated"; PolyPhen-2: "Benign"; Align-GVGD: "Class C0". The tyrosine amino acid residue is found in multiple mammalian species, which suggests that this missense change does not adversely affect protein function. In summary, the available evidence is currently insufficient to determine the role of this variant in disease. Therefore, it has been classified as a Variant of Uncertain Significance.